The following is an entry in ClinVar:

ClinVar aggregate classification (germline): Uncertain significance (1 of 4 stars; one submission).

gnomAD v4.1: 1 of 1,612,256 alleles (0.000062%); highest among the groups gnomAD compares: Non-Finnish European, 0.000085%; no homozygotes.

Submission:

Ambry Genetics
Classification: Uncertain significance. Last evaluated: 2024-07-05. Review status: criteria provided, single submitter. Criteria: Ambry Variant Classification Scheme 2023. Collection method: clinical testing. Allele origin: germline.
Comment: The p.Y881C variant (also known as c.2642A>G), located in coding exon 22 of the BUB1 gene, results from an A to G substitution at nucleotide position 2642. The tyrosine at codon 881 is replaced by cysteine, an amino acid with highly dissimilar properties. This amino acid position is conserved. In addition, the in silico prediction for this alteration is inconclusive. Based on the available evidence, the clinical significance of this variant remains unclear.

NM_004336.5(BUB1):c.2642A>G (p.Tyr881Cys)

Gene: BUB1 (BUB1 mitotic checkpoint serine/threonine kinase; minus strand). Cytogenetic location: 2q13.
Variant type: single nucleotide variant.
Coding change: c.2642A>G on transcript NM_004336.5 (MANE Select); coding-DNA position 2642, A replaced by G.
Protein change: p.Tyr881Cys; replaces tyrosine 881 with cysteine.
Molecular consequence: missense variant. On other transcripts: intron variant (1).
Genome position (GRCh38, 1-based): chr2:110,641,448, T>C on the plus strand (A>G on the coding strand, the complement: BUB1 is on the minus strand). VCF-style: chr2-110641448-T-C. GRCh37 (hg19) VCF-style: chr2-111399025-T-C.
Other names: c.2582A>G, p.Tyr861Cys (NM_001278616.2); c.2625+194A>G (NM_001278617.2); short protein forms Y861C, Y881C.
Identifiers: ClinVar variation 3483019 (VCV003483019.1).